The following is an entry in ClinVar:

NM_020207.7(ERCC6L2):c.70T>C (p.Cys24Arg)

Gene: ERCC6L2 (ERCC excision repair 6 like 2; plus strand). Cytogenetic location: 9q22.32.
Variant type: single nucleotide variant.
Coding change: c.70T>C on transcript NM_020207.7 (MANE Select); coding-DNA position 70, T replaced by C.
Protein change: p.Cys24Arg; replaces cysteine 24 with arginine.
Molecular consequence: missense variant. On other transcripts: non-coding transcript variant (1).
Genome position (GRCh38, 1-based): chr9:95,880,892, T>C. VCF-style: chr9-95880892-T-C. GRCh37 (hg19) VCF-style: chr9-98643174-T-C.
Other names: c.70T>C, p.Cys24Arg (NM_001010895.4, NM_001375291.1, NM_001375292.1 and 2 more transcripts); short protein forms C24R.
Identifiers: ClinVar variation 4618727 (VCV004618727.1).

ClinVar aggregate classification (germline): Uncertain significance (1 of 4 stars; one submission).

Conditions:
Inborn genetic diseases. Identifiers: MedGen C0950123, MeSH D030342.

Submission:

Ambry Genetics
Classification: Uncertain significance for Inborn genetic diseases. Last evaluated: 2025-10-14. Review status: criteria provided, single submitter. Criteria: Ambry Variant Classification Scheme 2023. Collection method: clinical testing. Allele origin: germline.
Comment: The p.C24R variant (also known as c.70T>C), located in coding exon 2 of the ERCC6L2 gene, results from a T to C substitution at nucleotide position 70. The cysteine at codon 24 is replaced by arginine, an amino acid with highly dissimilar properties. This amino acid position is conserved. In addition, this alteration is predicted to be deleterious by in silico analysis. Based on the available evidence, the clinical significance of this variant remains unclear.